The following is an entry in ClinVar:

NM_004991.4(MECOM):c.2179C>G (p.Pro727Ala)

Gene: MECOM (MDS1 and EVI1 complex locus; minus strand). Cytogenetic location: 3q26.2.
Variant type: single nucleotide variant.
Coding change: c.2179C>G on transcript NM_004991.4 (MANE Select); coding-DNA position 2179, C replaced by G.
Protein change: p.Pro727Ala; replaces proline 727 with alanine.
Molecular consequence: missense variant.
Genome position (GRCh38, 1-based): chr3:169,115,693, G>C on the plus strand (C>G on the coding strand, the complement: MECOM is on the minus strand). VCF-style: chr3-169115693-G-C. GRCh37 (hg19) VCF-style: chr3-168833481-G-C.
Other names: c.1810C>G, p.Pro604Ala (NM_001105077.4); c.1615C>G, p.Pro539Ala (NM_001105078.4, NM_001164000.2, NM_001205194.2 and 4 more transcripts); c.1618C>G, p.Pro540Ala (NM_001163999.2, NM_001366467.2, NM_001366468.2 and 1 more transcripts); c.2179C>G, p.Pro727Ala (NM_001366466.2); c.1207C>G, p.Pro403Ala (NM_001366473.2); c.643C>G, p.Pro215Ala (NM_001366474.2); short protein forms P215A, P540A, P604A, P403A, P539A, P727A.
Identifiers: ClinVar variation 4842762 (VCV004842762.1).

ClinVar aggregate classification (germline): Uncertain significance (1 of 4 stars; one submission).

Conditions:
Inborn genetic diseases. Identifiers: MedGen C0950123, MeSH D030342.

gnomAD v4.1: 2 of 1,614,124 alleles (0.00012%); highest among the groups gnomAD compares: Non-Finnish European, 0.00017%; no homozygotes.

Submission:

Ambry Genetics
Classification: Uncertain significance for Inborn genetic diseases. Last evaluated: 2025-12-28. Review status: criteria provided, single submitter. Criteria: Ambry Variant Classification Scheme 2023. Collection method: clinical testing. Allele origin: germline.
Comment: The p.P727A variant (also known as c.2179C>G), located in coding exon 8 of the MECOM gene, results from a C to G substitution at nucleotide position 2179. The proline at codon 727 is replaced by alanine, an amino acid with highly similar properties. This amino acid position is conserved. In addition, this alteration is predicted to be tolerated by in silico analysis. Based on the available evidence, the clinical significance of this variant remains unclear.